The following is an entry in ClinVar:

ClinVar aggregate classification (germline): Uncertain significance (1 of 4 stars; one submission).

Submission:

Ambry Genetics
Classification: Uncertain significance. Last evaluated: 2021-09-20. Review status: criteria provided, single submitter. Criteria: Ambry Variant Classification Scheme 2023. Collection method: clinical testing. Allele origin: germline.
Comment: The p.S1468T variant (also known as c.4403G>C), located in coding exon 4 of the ALPK2 gene, results from a G to C substitution at nucleotide position 4403. The serine at codon 1468 is replaced by threonine, an amino acid with similar properties. This amino acid position is conserved. In addition, this alteration is predicted to be tolerated by in silico analysis. Since supporting evidence is limited at this time, the clinical significance of this alteration remains unclear.

NM_052947.4(ALPK2):c.4403G>C (p.Ser1468Thr)

Genes: ALPK2 (alpha kinase 2; minus strand), LOC126862764 (BRD4-independent group 4 enhancer GRCh37_chr18:56202574-56203773; plus strand). Cytogenetic location: 18q21.31.
Variant type: single nucleotide variant.
Coding change: c.4403G>C on transcript NM_052947.4 (MANE Select); coding-DNA position 4403, G replaced by C.
Protein change: p.Ser1468Thr; replaces serine 1468 with threonine.
Molecular consequence: missense variant.
Genome position (GRCh38, 1-based): chr18:58,535,784, C>G on the plus strand (G>C on the coding strand, the complement: ALPK2 is on the minus strand). VCF-style: chr18-58535784-C-G. GRCh37 (hg19) VCF-style: chr18-56203016-C-G.
Other names: short protein forms S1468T.
Identifiers: ClinVar variation 1740346 (VCV001740346.2), dbSNP rs2518874806, ClinGen allele CA402562709.